The following is an entry in ClinVar:

NM_001144967.3(NEDD4L):c.484G>C (p.Glu162Gln)

Gene: NEDD4L (NEDD4 like E3 ubiquitin protein ligase; plus strand). Cytogenetic location: 18q21.31.
Variant type: single nucleotide variant.
Coding change: c.484G>C on transcript NM_001144967.3 (MANE Select); coding-DNA position 484, G replaced by C.
Protein change: p.Glu162Gln; replaces glutamic acid 162 with glutamine.
Molecular consequence: missense variant.
Genome position (GRCh38, 1-based): chr18:58,323,305, G>C. VCF-style: chr18-58323305-G-C. GRCh37 (hg19) VCF-style: chr18-55990537-G-C.
Other names: c.121G>C, p.Glu41Gln (NM_001144964.1, NM_001144965.2, NM_001144966.3 and 2 more transcripts); c.460G>C, p.Glu154Gln (NM_001144968.2, NM_001144969.2); c.484G>C, p.Glu162Gln (NM_001243960.2, NM_015277.6); c.1321G>C, p.Glu441Gln (NM_001437337.1); short protein forms E441Q, E154Q, E162Q, E41Q.
Identifiers: ClinVar variation 4781514 (VCV004781514.1).

ClinVar aggregate classification (germline): Uncertain significance (1 of 4 stars; one submission).

Submission:

Labcorp Genetics (formerly Invitae), Labcorp
Classification: Uncertain significance. Last evaluated: 2025-04-24. Review status: criteria provided, single submitter. Criteria: Invitae Variant Classification Sherloc (09022015). Collection method: clinical testing. Allele origin: germline.
Comment: This sequence change replaces glutamic acid, which is acidic and polar, with glutamine, which is neutral and polar, at codon 162 of the NEDD4L protein (p.Glu162Gln). This variant is not present in population databases (gnomAD no frequency). This variant has not been reported in the literature in individuals affected with NEDD4L-related conditions. Invitae Evidence Modeling of protein sequence and biophysical properties (such as structural, functional, and spatial information, amino acid conservation, physicochemical variation, residue mobility, and thermodynamic stability) indicates that this missense variant is not expected to disrupt NEDD4L protein function with a negative predictive value of 80%. In summary, the available evidence is currently insufficient to determine the role of this variant in disease. Therefore, it has been classified as a Variant of Uncertain Significance.